The following is an entry in ClinVar:

ClinVar aggregate classification (germline): Pathogenic (1 of 4 stars; one submission).

Submission:

Clinical Genomics Laboratory, Laboratory for Precision Diagnostics, University of Washington
Classification: Pathogenic. Last evaluated: 2024-06-27. Review status: criteria provided, single submitter. Criteria: ACMG/ClinGen CNV Guidelines, 2019. Collection method: clinical testing. Allele origin: unknown. Affected: yes. Observed: 1 variant allele.
Comment: This interstitial deletion spans approximately 2.07 Mb and includes 43 protein-coding genes, notably TBX1 (OMIM 602054). It is slightly smaller than the LCR22A-D deletion found in most individuals with 22q11.2 deletion syndrome. The DGCR2, DGCR5, and PRODH genes are not included in this deletion compared to the LCR22A-D region. Multicystic dysplastic kidney and conotruncal heart abnormalities are found at a higher frequency in fetuses with 22q11.2 deletion syndrome.

Literature cited by the submitters: PubMed 36729052; PubMed 34906464; PubMed 25962607; PubMed 2218739; PubMed 36729053; PubMed 30582277.

GRCh38/hg38 22q11.21(chr22:19037138-21109441)x1

Genes: SEPTIN5 (septin 5; plus strand), SERPIND1 (serpin family D member 1; plus strand), SLC25A1 (solute carrier family 25 member 1; minus strand), UFD1 (ubiquitin recognition factor in ER associated degradation 1; minus strand), UFD1-AS1 (UFD1 antisense RNA 1; plus strand) and 165 more. Cytogenetic location: 22q11.21.
Variant type: copy number loss.
Change: copy number 1 (one copy instead of two) of chr22:19,037,138-21,109,441 (2.07 Mb, GRCh38 coordinates, 1-based), cytogenetic band 22q11.21.
Identifiers: ClinVar variation 4974688 (VCV004974688.1).